The following is an entry in ClinVar:

ClinVar aggregate classification (germline): Uncertain significance. Review status: criteria provided, multiple submitters, no conflicts (2 of 4 stars). 2 submissions from 2 submitters: Uncertain significance (2). Last evaluated 2022-08-04.

Conditions:
VPS13A-related neurodegenerative disease. Also called: VPS13A Disease; Choreaacanthocytosis; Chorea-acanthocytosis; LEVINE-CRITCHLEY SYNDROME; Choreoacanthocytosis; ACANTHOCYTOSIS WITH NEUROLOGIC DISORDER. Identifiers: Orphanet 2388, MedGen C0393576, MONDO:0008695, OMIM 200150.

Allele frequency attached by ClinVar (database versions not stated): TOPMed 0.00001; ExAC 0.00002; gnomAD 0.00002; gnomAD exomes 0.00002.
gnomAD v4.1: 34 of 1,613,902 alleles (0.0021%); highest among the groups gnomAD compares: Non-Finnish European, 0.0023%; no homozygotes.

Submissions (2):

Labcorp Genetics (formerly Invitae), Labcorp
Classification: Uncertain significance. Last evaluated: 2022-08-04. Review status: criteria provided, single submitter. Criteria: Invitae Variant Classification Sherloc (09022015). Collection method: clinical testing. Allele origin: germline.
Comment: This sequence change replaces isoleucine, which is neutral and non-polar, with valine, which is neutral and non-polar, at codon 1257 of the VPS13A protein (p.Ile1257Val). This variant is present in population databases (rs770035274, gnomAD 0.003%). This variant has not been reported in the literature in individuals affected with VPS13A-related conditions. ClinVar contains an entry for this variant (Variation ID: 915139). Algorithms developed to predict the effect of missense changes on protein structure and function (SIFT, PolyPhen-2, Align-GVGD) all suggest that this variant is likely to be tolerated. In summary, the available evidence is currently insufficient to determine the role of this variant in disease. Therefore, it has been classified as a Variant of Uncertain Significance.

Illumina Laboratory Services, Illumina
Classification: Uncertain significance for VPS13A-related neurodegenerative disease. Last evaluated: 2018-01-13. Review status: criteria provided, single submitter. Criteria: ICSL Variant Classification Criteria 13 December 2019. Collection method: clinical testing. Allele origin: germline.

NM_033305.3(VPS13A):c.3769A>G (p.Ile1257Val)

Gene: VPS13A (vacuolar protein sorting 13 homolog A; plus strand). Cytogenetic location: 9q21.2.
Variant type: single nucleotide variant.
Coding change: c.3769A>G on transcript NM_033305.3 (MANE Select); coding-DNA position 3769, A replaced by G.
Protein change: p.Ile1257Val; replaces isoleucine 1257 with valine.
Molecular consequence: missense variant.
Genome position (GRCh38, 1-based): chr9:77,295,803, A>G. VCF-style: chr9-77295803-A-G. GRCh37 (hg19) VCF-style: chr9-79910719-A-G.
Other names: c.3652A>G, p.Ile1218Val (NM_001018037.2); c.3769A>G, p.Ile1257Val (NM_001018038.3, NM_015186.4); short protein forms I1218V, I1257V.
Identifiers: ClinVar variation 915139 (VCV000915139.5), dbSNP rs770035274, ClinGen allele CA5092329.